The following is an entry in ClinVar:

NM_001376.5(DYNC1H1):c.13662C>G (p.Asp4554Glu)

Gene: DYNC1H1 (dynein cytoplasmic 1 heavy chain 1; plus strand). Cytogenetic location: 14q32.31.
Variant type: single nucleotide variant.
Coding change: c.13662C>G on transcript NM_001376.5 (MANE Select); coding-DNA position 13662, C replaced by G.
Protein change: p.Asp4554Glu; replaces aspartic acid 4554 with glutamic acid.
Molecular consequence: missense variant.
Genome position (GRCh38, 1-based): chr14:102,049,860, C>G. VCF-style: chr14-102049860-C-G. GRCh37 (hg19) VCF-style: chr14-102516197-C-G.
Other names: short protein forms D4554E.
Identifiers: ClinVar variation 3628743 (VCV003628743.2).

ClinVar aggregate classification (germline): Uncertain significance (1 of 4 stars; one submission).

Conditions:
Charcot-Marie-Tooth disease axonal type 2O. Also called: Charcot-Marie-Tooth disease, axonal, type 20; CHARCOT-MARIE-TOOTH NEUROPATHY, AXONAL, TYPE 2O; CHARCOT-MARIE-TOOTH DISEASE, AXONAL, AUTOSOMAL DOMINANT, TYPE 2O; Charcot-Marie-Tooth Neuropathy Type 2O. Identifiers: Orphanet 284232, MedGen C3280220, MONDO:0013644, OMIM 614228.

gnomAD v4.1: 1 of 1,613,904 alleles (0.000062%); highest among the groups gnomAD compares: Admixed American, 0.0017%; no homozygotes.

Submission:

Labcorp Genetics (formerly Invitae), Labcorp
Classification: Uncertain significance for Charcot-Marie-Tooth disease axonal type 2O. Last evaluated: 2024-12-10. Review status: criteria provided, single submitter. Criteria: Invitae Variant Classification Sherloc (09022015). Collection method: clinical testing. Allele origin: germline.
Comment: This sequence change replaces aspartic acid, which is acidic and polar, with glutamic acid, which is acidic and polar, at codon 4554 of the DYNC1H1 protein (p.Asp4554Glu). This variant is not present in population databases (gnomAD no frequency). This variant has not been reported in the literature in individuals affected with DYNC1H1-related conditions. Invitae Evidence Modeling of protein sequence and biophysical properties (such as structural, functional, and spatial information, amino acid conservation, physicochemical variation, residue mobility, and thermodynamic stability) indicates that this missense variant is not expected to disrupt DYNC1H1 protein function with a negative predictive value of 95%. In summary, the available evidence is currently insufficient to determine the role of this variant in disease. Therefore, it has been classified as a Variant of Uncertain Significance.